The following is an entry in ClinVar:

Single allele

Variant type: Deletion.
Identifiers: ClinVar variation 156993 (VCV000156993.2).

ClinVar aggregate classification (germline): not provided (0 of 4 stars; one submission).

Conditions:
Large for gestational age. Identifiers: MedGen C1848395, HP:0001520.

Submission:

Institute of Molecular and Cell Biology, University of Tartu
No classification provided. Condition: Large for gestational age. Review status: no classification provided. Collection method: case-control. Allele origin: unknown. Affected: yes. Study: Kasak2014.
Comment: The study aimed to determine the contribution of copy number variants in the genetic etiology of normal and complicated pregnancies. The samples represented (i) maternal blood DNA drawn from healthy pregnant women during 1st or 2nd trimester and (ii) maternal and paternal blood DNA drawn at term pregnancy cases representing normal and complicated gestations (severe preeclampsia, PE; gestational diabetes, GD; small-for-gestational age newborn, SGA; large-for-gestational age newborn, LGA). We performed CNV calling based on genome-wide genotyping dataset (Illumina HumanOmniExpress-24-v1 BeadChip) by applying three algorithms, QuantiSNP, GADA (Genome Alteration Detection Algorithm) and CNstream in parallel. The acquired CNV calls were merged with HD-CNV (Hotspot Detector for Copy Number Variants) program and only the CNVs predicted by at least two programs, were considered in subsequent analysis.

Literature cited by the submitters: PubMed 25666259.